The following is an entry in ClinVar:

ClinVar aggregate classification (germline): Conflicting classifications of pathogenicity. Review status: criteria provided, conflicting classifications (1 of 4 stars). 6 submissions from 6 submitters: Uncertain significance (3); Likely benign (3). Last evaluated 2026-02-01.

Conditions:
Cardiomyopathy (CMYO). Also called: Cardiomyopathies. Identifiers: Orphanet 167848, MedGen C0878544, MONDO:0004994, HP:0001638. Inheritance: Various modes of inheritance.
Cardiovascular phenotype. Identifiers: MedGen CN230736.
Arrhythmogenic right ventricular dysplasia 8 (ARVD8). Also called: Arrhythmogenic Right Ventricular Dysplasia/Cardiomyopathy 8; ARRHYTHMOGENIC RIGHT VENTRICULAR DYSPLASIA, FAMILIAL, 8; ARRHYTHMOGENIC RIGHT VENTRICULAR CARDIOMYOPATHY 8. Identifiers: MedGen C1843896, MONDO:0011831, OMIM 607450.
Lethal acantholytic epidermolysis bullosa (EBLA). Identifiers: Orphanet 158687, MedGen C1864826, MONDO:0012323, OMIM 609638.
Keratosis palmoplantaris striata 2. Also called: Keratosis palmoplantaris striata II; KERATODERMA, PALMOPLANTAR, STRIATE FORM II; STRIATE PALMOPLANTAR KERATODERMA II. Identifiers: MedGen C1852127, MONDO:0013034, OMIM 612908.
Woolly hair-skin fragility syndrome (WHSF). Identifiers: Orphanet 293165, MedGen C1843292, MONDO:0957307, OMIM 620415.
Arrhythmogenic cardiomyopathy with wooly hair and keratoderma. Also called: Carvajal syndrome; PALMOPLANTAR KERATODERMA WITH LEFT VENTRICULAR CARDIOMYOPATHY AND WOOLLY HAIR; Dilated cardiomyopathy with woolly hair and keratoderma; Arrhythmogenic cardiomyopathy with woolly hair and keratoderma. Identifiers: Orphanet 65282, MedGen C1854063, MONDO:0011581, OMIM 605676.
Cardiomyopathy, dilated, with wooly hair, keratoderma, and tooth agenesis. Also called: Erythrokeratodermia-cardiomyopathy syndrome; Cardiomyopathy, dilated, with woolly hair, keratoderma, and tooth agenesis. Identifiers: Orphanet 476096, Orphanet 65282, MedGen C4014393, MONDO:0014355, OMIM 615821.

gnomAD v4.1: 39 of 1,614,024 alleles (0.0024%); highest among the groups gnomAD compares: Non-Finnish European, 0.0024%; no homozygotes.

Submissions (6):

Labcorp Genetics (formerly Invitae), Labcorp
Classification: Likely benign for Arrhythmogenic cardiomyopathy with wooly hair and keratoderma; Arrhythmogenic right ventricular dysplasia 8. Last evaluated: 2026-02-01. Review status: criteria provided, single submitter. Criteria: Invitae Variant Classification Sherloc (09022015). Collection method: clinical testing. Allele origin: germline.

Ambry Genetics
Classification: Likely benign for Cardiovascular phenotype. Last evaluated: 2025-05-27. Review status: criteria provided, single submitter. Criteria: Ambry Variant Classification Scheme 2023. Collection method: clinical testing. Allele origin: germline.

Color Diagnostics, LLC DBA Color Health
Classification: Uncertain significance for Cardiomyopathy. Last evaluated: 2024-04-01. Review status: criteria provided, single submitter. Criteria: ACMG Guidelines, 2015. Collection method: clinical testing. Allele origin: germline.
Comment: This missense variant replaces serine with glycine at codon 1520 of the DSP protein. Computational prediction suggests that this variant may not impact protein structure and function (internally defined REVEL score threshold <= 0.5, PMID: 27666373). To our knowledge, functional studies have not been reported for this variant. This variant has not been reported in individuals affected with DSP-related disorders in the literature. This variant has been identified in 11/250220 chromosomes in the general population by the Genome Aggregation Database (gnomAD). The available evidence is insufficient to determine the role of this variant in disease conclusively. Therefore, this variant is classified as a Variant of Uncertain Significance.

GeneDx
Classification: Uncertain significance. Last evaluated: 2024-03-06. Review status: criteria provided, single submitter. Criteria: GeneDx Variant Classification Process June 2021. Collection method: clinical testing. Allele origin: germline. Affected: yes.
Comment: In silico analysis indicates that this missense variant does not alter protein structure/function; This variant is associated with the following publications: (PMID: 35087879)

Fulgent Genetics
Classification: Uncertain significance for Arrhythmogenic cardiomyopathy with wooly hair and keratoderma; Arrhythmogenic right ventricular dysplasia 8; Lethal acantholytic epidermolysis bullosa; Keratosis palmoplantaris striata 2; Cardiomyopathy, dilated, with wooly hair, keratoderma, and tooth agenesis. Last evaluated: 2021-10-07. Review status: criteria provided, single submitter. Criteria: ACMG Guidelines, 2015. Collection method: clinical testing. Allele origin: unknown.

Blueprint Genetics
Classification: Likely benign. Last evaluated: 2021-10-06. Review status: criteria provided, single submitter. Criteria: ACMG Guidelines, 2015. Collection method: clinical testing. Allele origin: germline.

Literature cited by the submitters: PubMed 30775854 (cited by Ambry Genetics); PubMed 35087879 (cited by Ambry Genetics).

NM_004415.4(DSP):c.4558A>G (p.Ser1520Gly)

Gene: DSP (desmoplakin; plus strand). Cytogenetic location: 6p24.3.
Variant type: single nucleotide variant.
Coding change: c.4558A>G on transcript NM_004415.4 (MANE Select); coding-DNA position 4558, A replaced by G.
Protein change: p.Ser1520Gly; replaces serine 1520 with glycine.
Molecular consequence: missense variant. On other transcripts: intron variant (2).
Genome position (GRCh38, 1-based): chr6:7,580,748, A>G. VCF-style: chr6-7580748-A-G. GRCh37 (hg19) VCF-style: chr6-7580981-A-G.
Other names: c.4050+508A>G (NM_001319034.2); c.3582+976A>G (NM_001008844.3); short protein forms S1520G.
Identifiers: ClinVar variation 1060668 (VCV001060668.15), dbSNP rs780953141, ClinGen allele CA041928.